The following is an entry in ClinVar:

NM_017755.6(NSUN2):c.211A>G (p.Arg71Gly)

Gene: NSUN2 (NOP2/Sun RNA methyltransferase 2; minus strand). Cytogenetic location: 5p15.31.
Variant type: single nucleotide variant.
Coding change: c.211A>G on transcript NM_017755.6 (MANE Select); coding-DNA position 211, A replaced by G.
Protein change: p.Arg71Gly; replaces arginine 71 with glycine.
Molecular consequence: missense variant. On other transcripts: non-coding transcript variant (1).
Genome position (GRCh38, 1-based): chr5:6,632,642, T>C on the plus strand (A>G on the coding strand, the complement: NSUN2 is on the minus strand). VCF-style: chr5-6632642-T-C. GRCh37 (hg19) VCF-style: chr5-6632755-T-C.
Other names: c.211A>G, p.Arg71Gly (NM_001193455.2); short protein forms R71G.
Identifiers: ClinVar variation 2875819 (VCV002875819.3), dbSNP rs1045670957, ClinGen allele CA113753372.

ClinVar aggregate classification (germline): Uncertain significance (1 of 4 stars; one submission).

Allele frequency attached by ClinVar (database versions not stated): gnomAD exomes below 0.00001.
gnomAD v4.1: 7 of 1,614,208 alleles (0.00043%); highest among the groups gnomAD compares: Non-Finnish European, 0.00051%; no homozygotes.

Submission:

Labcorp Genetics (formerly Invitae), Labcorp
Classification: Uncertain significance. Last evaluated: 2023-03-15. Review status: criteria provided, single submitter. Criteria: Invitae Variant Classification Sherloc (09022015). Collection method: clinical testing. Allele origin: germline.
Comment: This variant is not present in population databases (gnomAD no frequency). This sequence change replaces arginine, which is basic and polar, with glycine, which is neutral and non-polar, at codon 71 of the NSUN2 protein (p.Arg71Gly). This variant has not been reported in the literature in individuals affected with NSUN2-related conditions. Advanced modeling of protein sequence and biophysical properties (such as structural, functional, and spatial information, amino acid conservation, physicochemical variation, residue mobility, and thermodynamic stability) performed at Invitae indicates that this missense variant is not expected to disrupt NSUN2 protein function. In summary, the available evidence is currently insufficient to determine the role of this variant in disease. Therefore, it has been classified as a Variant of Uncertain Significance.